The following is an entry in ClinVar:

NM_001199198.3(TBC1D23):c.1000-8C>A

Gene: TBC1D23 (TBC1 domain family member 23; plus strand). Cytogenetic location: 3q12.1.
Variant type: single nucleotide variant.
Coding change: c.1000-8C>A on transcript NM_001199198.3 (MANE Select); 8 bases into the intron before coding-DNA position 1000, C replaced by A.
Molecular consequence: intron variant.
Genome position (GRCh38, 1-based): chr3:100,299,231, C>A. VCF-style: chr3-100299231-C-A. GRCh37 (hg19) VCF-style: chr3-100018075-C-A.
Other names: c.1000-8C>A (NM_018309.5).
Identifiers: ClinVar variation 4293255 (VCV004293255.1).

ClinVar aggregate classification (germline): Uncertain significance (1 of 4 stars; one submission).

Conditions:
Pontocerebellar hypoplasia, type 11. Identifiers: Orphanet 611247, MedGen C4540164, MONDO:0054669, OMIM 617695.

Submission:

3billion
Classification: Uncertain significance for Pontocerebellar hypoplasia, type 11. Last evaluated: 2024-06-11. Review status: criteria provided, single submitter. Criteria: ACMG Guidelines, 2015. Collection method: clinical testing. Allele origin: germline. Affected: yes.
Comment: The variant is not observed in the gnomAD v4.0.0 dataset. Predicted Consequence/Location: Intron variant In silico tools predict the variant to alter splicing and produce an abnormal transcript [SpliceAI: 0.99 (>=0.2, moderate evidence for spliceogenicity)]. Therefore, this variant is classified as VUS according to the recommendation of ACMG/AMP guideline.